The following is an entry in ClinVar:

NM_004859.4(CLTC):c.3760A>G (p.Lys1254Glu)

Gene: CLTC (clathrin heavy chain; plus strand). Cytogenetic location: 17q23.1.
Variant type: single nucleotide variant.
Coding change: c.3760A>G on transcript NM_004859.4 (MANE Select); coding-DNA position 3760, A replaced by G.
Protein change: p.Lys1254Glu; replaces lysine 1254 with glutamic acid.
Molecular consequence: missense variant.
Genome position (GRCh38, 1-based): chr17:59,682,788, A>G. VCF-style: chr17-59682788-A-G. GRCh37 (hg19) VCF-style: chr17-57760149-A-G.
Other names: c.3772A>G, p.Lys1258Glu (NM_001288653.2); short protein forms K1254E, K1258E.
Identifiers: ClinVar variation 5008913 (VCV005008913.1).
Genomic context (GRCh38, chr17:59,682,788, plus strand): 5'-CTGGGTGAATATCAGGCAGCTGTTGATGGGGCTAGGAAAGCTAACAGTACTCGAACATGG[A>G]AAGAGGTAATCTAAACCCAAGTTTGAGTGAAGAATTAAAGAAACGCTATTTAAACATTAG-3'
Protein context (NP_004850.1, residues 1244-1264): ARKANSTRTW[Lys1254Glu]EVCFACVDGK

ClinVar aggregate classification (germline): Uncertain significance (1 of 4 stars; one submission).

Submission:

GeneDx
Classification: Uncertain significance. Last evaluated: 2026-03-12. Review status: criteria provided, single submitter. Criteria: GeneDx Variant Classification Process June 2021. Collection method: clinical testing. Allele origin: germline.
Comment: Not observed at significant frequency in large population cohorts (gnomAD); In silico analysis supports that this missense variant has a deleterious effect on protein structure/function; Has not been previously published as pathogenic or benign to our knowledge